The following is an entry in ClinVar:

NM_006231.4(POLE):c.4838_4839del (p.Val1613fs)

Gene: POLE (DNA polymerase epsilon, catalytic subunit; minus strand). Cytogenetic location: 12q24.33.
Variant type: Microsatellite.
Coding change: c.4838_4839del on transcript NM_006231.4 (MANE Select); coding-DNA positions 4838 to 4839, 2 bases deleted (TG; older notation c.4838_4839delTG).
Protein change: p.Val1613fs; shifts the reading frame from valine 1613.
Molecular consequence: frameshift variant.
Genome position (GRCh38, 1-based): chr12:132,642,619-132,642,620, CA deleted on the plus strand (TG on the coding strand, the reverse complement: POLE is on the minus strand); deleting any 2 consecutive bases within chr12:132,642,619-132,642,624 gives the same sequence; the c. name uses the placement nearest the transcript's 3' end. VCF-style (leftmost placement, unchanged base first): chr12-132642618-CCA-C. GRCh37 (hg19) VCF-style: chr12-133219204-CCA-C.
Other names: c.4838_4839delTG (NM_006231.2); short protein forms V1613fs.
Identifiers: ClinVar variation 1392005 (VCV001392005.10), dbSNP rs2138535398, ClinGen allele CA2580614610.

ClinVar aggregate classification (germline): Conflicting classifications of pathogenicity. Review status: criteria provided, conflicting classifications (1 of 4 stars). 2 submissions from 2 submitters: Pathogenic (1); Uncertain significance (1). Last evaluated 2026-04-30.

Conditions:
Hereditary cancer-predisposing syndrome. Also called: Neoplastic Syndromes, Hereditary; Tumor predisposition; Hereditary Cancer Syndrome; Hereditary neoplastic syndrome. Identifiers: Orphanet 140162, MedGen C0027672, MeSH D009386, MONDO:0015356.

Submissions (2):

Ambry Genetics
Classification: Uncertain significance for Hereditary cancer-predisposing syndrome. Last evaluated: 2026-04-30. Review status: criteria provided, single submitter. Criteria: Ambry Variant Classification Scheme 2023. Collection method: clinical testing. Allele origin: germline.
Comment: The c.4838_4839delTG variant, located in coding exon 37 of the POLE gene, results from a deletion of two nucleotides at nucleotide positions 4838 to 4839, causing a translational frameshift with a predicted alternate stop codon (p.V1613Gfs*2). This alteration is expected to result in loss of function by premature protein truncation or nonsense-mediated mRNA decay. Although biallelic loss of function of POLE has been associated with autosomal recessive POLE deficiency, haploinsufficiency of POLE has not been established as a mechanism of disease for POLE-related polymerase proofreading-associated polyposis (PPAP) and POLE-related CMMRD-like syndrome. Based on the supporting evidence, this variant is expected to be causative of POLE deficiency when present along with a second pathogenic variant on the other allele; however, its clinical significance for PPAP and POLE-related CMMRD-like syndrome is unclear.

Labcorp Genetics (formerly Invitae), Labcorp
Classification: Pathogenic. Last evaluated: 2022-05-12. Review status: criteria provided, single submitter. Criteria: Invitae Variant Classification Sherloc (09022015). Collection method: clinical testing. Allele origin: germline.
Comment: This variant has not been reported in the literature in individuals affected with POLE-related conditions. This variant is not present in population databases (gnomAD no frequency). This sequence change creates a premature translational stop signal (p.Val1613Glyfs*2) in the POLE gene. It is expected to result in an absent or disrupted protein product. Loss-of-function variants in POLE are known to be pathogenic (PMID: 23230001, 25948378, 30503519). For these reasons, this variant has been classified as Pathogenic.

Literature cited by the submitters: PubMed 23230001 (cited by Labcorp Genetics (formerly Invitae), Labcorp); PubMed 25948378 (cited by Labcorp Genetics (formerly Invitae), Labcorp); PubMed 30503519 (cited by Labcorp Genetics (formerly Invitae), Labcorp).